The following is an entry in ClinVar:

ClinVar aggregate classification (germline): Likely pathogenic. Review status: criteria provided, single submitter (1 of 4 stars). 2 submissions from 2 submitters: Likely pathogenic (1). 1 of the submissions does not count toward it.

Conditions:
Structural brain anomalies with impaired intellectual development and craniosynostosis. Identifiers: MedGen C5231485, MONDO:0032892, OMIM 618736.
Craniosynostosis 6 (CRS6). Identifiers: Orphanet 672985, MedGen C4225269, MONDO:0014705, OMIM 616602.

Submissions (2):

Juno Genomics, Hangzhou Juno Genomics, Inc
Classification: Likely pathogenic for Structural brain anomalies with impaired intellectual development and craniosynostosis; Craniosynostosis 6. Review status: criteria provided, single submitter. Criteria: ACMG Guidelines, 2015. Collection method: clinical testing. Allele origin: germline. Affected: yes.
Comment: Absent from controls (or at extremely low frequency if recessive) in Genome Aggregation Database.;Well-established in vitro or in vivo functional studies supportive of a damaging effect on the gene or gene product.;The prevalence of the variant in affected individuals is significantly increased compared to the prevalence in controls.;De novo (both maternity and paternity confirmed) in a patient with the disease and no family history.

OMIM
Classification: Pathogenic for STRUCTURAL BRAIN ANOMALIES WITH IMPAIRED INTELLECTUAL DEVELOPMENT AND CRANIOSYNOSTOSIS. Last evaluated: 2020-01-14. Review status: no assertion criteria provided. Collection method: literature only. Allele origin: germline. Not counted in ClinVar's aggregate classification.

Literature cited by the submitters: PubMed 26340333 (cited by OMIM).

NM_003412.4(ZIC1):c.1163C>A (p.Ser388Ter)

Gene: ZIC1 (Zic family zinc finger 1; plus strand). Cytogenetic location: 3q24.
Variant type: single nucleotide variant.
Coding change: c.1163C>A on transcript NM_003412.4 (MANE Select); coding-DNA position 1163, C replaced by A.
Protein change: p.Ser388Ter; replaces serine 388 with a stop codon.
Molecular consequence: nonsense.
Genome position (GRCh38, 1-based): chr3:147,413,370, C>A. VCF-style: chr3-147413370-C-A. GRCh37 (hg19) VCF-style: chr3-147131157-C-A.
Other names: short protein forms S388*.
Identifiers: ClinVar variation 372161 (VCV000372161.4), dbSNP rs1057517667, ClinGen allele CA16042223.
Genomic context (GRCh38, chr3:147,413,370, plus strand): 5'-CACTGGCTCTTTATGTCCGTAAAAACGCGACTTTATTCCTGCAGGTCCACGAATCCTCCT[C>A]GCAGGGCTCGCAGCCTTCGCCGGCCGCCAGCTCTGGCTACGAATCCTCCACGCCTCCCAC-3'